The following is an entry in ClinVar:

ClinVar aggregate classification (germline): Uncertain significance. Review status: criteria provided, multiple submitters, no conflicts (2 of 4 stars). 2 submissions from 2 submitters: Uncertain significance (2). Last evaluated 2023-07-17.

Conditions:
Fanconi anemia (FA). Also called: Fanconi's anemia. Identifiers: Orphanet 84, MedGen C0015625, MeSH D005199, MONDO:0019391.
Fanconi anemia complementation group D2. Also called: FANCD2-Related Fanconi Anemia; FANCONI PANCYTOPENIA, TYPE 4; FANCONI ANEMIA, COMPLEMENTATION GROUP D. Identifiers: Orphanet 84, MedGen C3160738, MONDO:0009214, OMIM 227646.

Allele frequency attached by ClinVar (database versions not stated): TOPMed 0.00002; gnomAD 0.00003; ExAC 0.00001.
gnomAD v4.1: 14 of 1,612,856 alleles (0.00087%); highest among the groups gnomAD compares: African/African-American, 0.004%; no homozygotes.

Submissions (2):

Labcorp Genetics (formerly Invitae), Labcorp
Classification: Uncertain significance for Fanconi anemia. Last evaluated: 2023-07-17. Review status: criteria provided, single submitter. Criteria: Invitae Variant Classification Sherloc (09022015). Collection method: clinical testing. Allele origin: germline.
Comment: Advanced modeling of protein sequence and biophysical properties (such as structural, functional, and spatial information, amino acid conservation, physicochemical variation, residue mobility, and thermodynamic stability) performed at Invitae indicates that this missense variant is not expected to disrupt FANCD2 protein function. ClinVar contains an entry for this variant (Variation ID: 456356). This variant has not been reported in the literature in individuals affected with FANCD2-related conditions. This variant is present in population databases (rs759516610, gnomAD 0.008%). This sequence change replaces histidine, which is basic and polar, with leucine, which is neutral and non-polar, at codon 1070 of the FANCD2 protein (p.His1070Leu). In summary, the available evidence is currently insufficient to determine the role of this variant in disease. Therefore, it has been classified as a Variant of Uncertain Significance.

Illumina Laboratory Services, Illumina
Classification: Uncertain significance for Fanconi anemia complementation group D2. Last evaluated: 2018-01-13. Review status: criteria provided, single submitter. Criteria: ICSL Variant Classification Criteria 13 December 2019. Collection method: clinical testing. Allele origin: germline.

NM_001018115.3(FANCD2):c.3209A>T (p.His1070Leu)

Genes: FANCD2 (FA complementation group D2; plus strand), FANCD2OS (FANCD2 opposite strand; minus strand). Cytogenetic location: 3p25.3.
Variant type: single nucleotide variant.
Coding change: c.3209A>T on transcript NM_001018115.3 (MANE Select); coding-DNA position 3209, A replaced by T.
Protein change: p.His1070Leu; replaces histidine 1070 with leucine.
Molecular consequence: missense variant. On other transcripts: 3 prime UTR variant (1).
Genome position (GRCh38, 1-based): chr3:10,081,449, A>T. VCF-style: chr3-10081449-A-T. GRCh37 (hg19) VCF-style: chr3-10123133-A-T.
Other names: c.*126T>A (NM_173472.2); c.3209A>T, p.His1070Leu (NM_001319984.2, NM_001374254.1, NM_033084.6); c.3098A>T, p.His1033Leu (NM_001374253.1); short protein forms H1070L, H1033L.
Identifiers: ClinVar variation 456356 (VCV000456356.14), dbSNP rs759516610, ClinGen allele CA2250301.